The following is an entry in ClinVar:

ClinVar aggregate classification (germline): Pathogenic. Review status: reviewed by expert panel (3 of 4 stars). 4 submissions from 4 submitters: Pathogenic (1). 3 of the submissions do not count toward it. Last evaluated 2016-10-18.

Conditions:
Hereditary cancer-predisposing syndrome. Also called: Hereditary Cancer Syndrome; Hereditary neoplastic syndrome; Neoplastic Syndromes, Hereditary; Tumor predisposition. Identifiers: Orphanet 140162, MedGen C0027672, MeSH D009386, MONDO:0015356.
Breast-ovarian cancer, familial, susceptibility to, 1 (BROVCA1). Also called: BRCA1 Hereditary Breast and Ovarian Cancer; OVARIAN CANCER, SUSCEPTIBILITY TO. Identifiers: Orphanet 145, MedGen C2676676, MONDO:0011450, OMIM 604370. Disease mechanism: loss of function.
Hereditary breast ovarian cancer syndrome. Also called: BRCA1- and BRCA2-Associated Hereditary Breast and Ovarian Cancer; Hereditary breast and ovarian cancer syndrome; Hereditary breast and ovarian cancer syndrome (HBOC); Breast and ovarian cancer; Hereditary breast and/or ovarian cancer syndrome; Hereditary breast and ovarian cancer. Identifiers: Orphanet 145, MedGen C0677776, MeSH D061325, MONDO:0003582. Disease mechanism: loss of function.

Submissions (4):

Evidence-based Network for the Interpretation of Germline Mutant Alleles (ENIGMA)
Classification: Pathogenic for Breast-ovarian cancer, familial, susceptibility to, 1. Last evaluated: 2016-10-18. Review status: reviewed by expert panel. Criteria: ENIGMA BRCA1/2 Classification Criteria (2015). Collection method: curation. Allele origin: germline.
Comment: Variant allele predicted to encode a truncated non-functional protein.

Labcorp Genetics (formerly Invitae), Labcorp
Classification: Pathogenic for Hereditary breast ovarian cancer syndrome. Last evaluated: 2022-08-28. Review status: criteria provided, single submitter. Criteria: Invitae Variant Classification Sherloc (09022015). Collection method: clinical testing. Allele origin: germline. Not counted in ClinVar's aggregate classification.
Comment: This sequence change creates a premature translational stop signal (p.Thr1194Hisfs*25) in the BRCA1 gene. It is expected to result in an absent or disrupted protein product. Loss-of-function variants in BRCA1 are known to be pathogenic (PMID: 20104584). This variant is not present in population databases (gnomAD no frequency). This premature translational stop signal has been observed in individual(s) with breast and/or ovarian cancer (PMID: 9649133, 27062684). This variant is also known as 3694insT. ClinVar contains an entry for this variant (Variation ID: 54920). For these reasons, this variant has been classified as Pathogenic.

Ambry Genetics
Classification: Pathogenic for Hereditary cancer-predisposing syndrome. Last evaluated: 2022-03-17. Review status: criteria provided, single submitter. Criteria: Ambry Variant Classification Scheme 2023. Collection method: clinical testing. Allele origin: germline. Not counted in ClinVar's aggregate classification.
Comment: The c.3578dupT pathogenic mutation, located in coding exon 9 of the BRCA1 gene, results from a duplication of T at nucleotide position 3578, causing a translational frameshift with a predicted alternate stop codon (p.T1194Hfs*25). In a study of 1854 high-risk BR/OV cancer families in Italy, this alteration was detected in 1 family (Azzollini J et al. Eur J Intern Med, 2016 Jul;32:65-71). This variant is considered to be rare based on population cohorts in the Genome Aggregation Database (gnomAD). In addition to the clinical data presented in the literature, this alteration is expected to result in loss of function by premature protein truncation or nonsense-mediated mRNA decay. As such, this alteration is interpreted as a disease-causing mutation.

Consortium of Investigators of Modifiers of BRCA1/2 (CIMBA), c/o University of Cambridge
Classification: Pathogenic for Breast-ovarian cancer, familial, susceptibility to, 1. Last evaluated: 2015-10-02. Review status: criteria provided, single submitter. Criteria: CIMBA Mutation Classification guidelines May 2016. Collection method: clinical testing. Allele origin: germline. Not counted in ClinVar's aggregate classification.

Literature cited by the submitters: PubMed 20104584 (cited by Labcorp Genetics (formerly Invitae), Labcorp); PubMed 9649133 (cited by Labcorp Genetics (formerly Invitae), Labcorp); PubMed 27062684 (cited by Labcorp Genetics (formerly Invitae), Labcorp and Ambry Genetics).

NM_007294.4(BRCA1):c.3578dup (p.Thr1194fs)

Genes: BRCA1 (BRCA1 DNA repair associated; minus strand), LOC126862571 (BRD4-independent group 4 enhancer GRCh37_chr17:41243136-41244335; plus strand). Cytogenetic location: 17q21.31.
Variant type: Duplication.
Coding change: c.3578dup on transcript NM_007294.4 (MANE Select); coding-DNA position 3578, one base duplicated (T; older notation c.3578dupT).
Protein change: p.Thr1194fs; shifts the reading frame from threonine 1194.
Molecular consequence: frameshift variant. On other transcripts: intron variant (135).
Genome position (GRCh38, 1-based): chr17:43,091,953, A duplicated on the plus strand (T on the coding strand, the reverse complement: BRCA1 is on the minus strand); the first of 3 consecutive A bases (chr17:43,091,953-43,091,955); duplicating any one gives the same sequence. VCF-style (leftmost placement, unchanged base first): chr17-43091952-G-GA. GRCh37 (hg19) VCF-style: chr17-41243969-G-GA.
Other names: 3697insT; c.644-921dup (NM_001408465.1, NM_001408463.1, NM_001408462.1 and 3 more transcripts); c.578-921dup (NM_001408482.1, NM_001408484.1, NM_001408478.1 and 9 more transcripts); c.521-921dup (NM_001408504.1, NM_001408503.1, NM_001408505.1); c.524-921dup (NM_001408499.1, NM_001408498.1, NM_001408501.1 and 3 more transcripts); c.671-921dup (NM_001408422.1, NM_001408418.1, NM_001408423.1 and 2 more transcripts); c.707-921dup (NM_001408416.1, NM_001408413.1); c.662-921dup (NM_001408450.1, NM_001408434.1, NM_001408447.1 and 6 more transcripts); and 43 more; short protein forms T1147fs, T1194fs, T1026fs, T1082fs, T1083fs, T1105fs, T1127fs, T1167fs.
Identifiers: ClinVar variation 54920 (VCV000054920.17), dbSNP rs397509083, ClinGen allele CA327880.